The following is an entry in ClinVar:

ClinVar aggregate classification (germline): Uncertain significance (1 of 4 stars; one submission).

Conditions:
Amyotrophic lateral sclerosis type 8 (ALS8). Identifiers: Orphanet 803, MedGen C1837728, MONDO:0012077, OMIM 608627.
Adult-onset proximal spinal muscular atrophy, autosomal dominant. Also called: FINKEL LATE-ADULT TYPE SMA; Spinal muscular atrophy, late-onset, finkel type. Identifiers: Orphanet 209335, MedGen C1854058, MONDO:0008453, OMIM 182980.

Submission:

Labcorp Genetics (formerly Invitae), Labcorp
Classification: Uncertain significance for Adult-onset proximal spinal muscular atrophy, autosomal dominant; Amyotrophic lateral sclerosis type 8. Last evaluated: 2023-03-13. Review status: criteria provided, single submitter. Criteria: Invitae Variant Classification Sherloc (09022015). Collection method: clinical testing. Allele origin: germline.
Comment: This sequence change replaces glycine, which is neutral and non-polar, with valine, which is neutral and non-polar, at codon 235 of the VAPB protein (p.Gly235Val). In summary, the available evidence is currently insufficient to determine the role of this variant in disease. Therefore, it has been classified as a Variant of Uncertain Significance. Advanced modeling of protein sequence and biophysical properties (such as structural, functional, and spatial information, amino acid conservation, physicochemical variation, residue mobility, and thermodynamic stability) performed at Invitae indicates that this missense variant is expected to disrupt VAPB protein function. This variant has not been reported in the literature in individuals affected with VAPB-related conditions. This variant is not present in population databases (gnomAD no frequency).

NM_004738.5(VAPB):c.704G>T (p.Gly235Val)

Gene: VAPB (VAMP associated protein B and C; plus strand). Cytogenetic location: 20q13.32.
Variant type: single nucleotide variant.
Coding change: c.704G>T on transcript NM_004738.5 (MANE Select); coding-DNA position 704, G replaced by T.
Protein change: p.Gly235Val; replaces glycine 235 with valine.
Molecular consequence: missense variant. On other transcripts: 3 prime UTR variant (1), non-coding transcript variant (1).
Genome position (GRCh38, 1-based): chr20:58,444,207, G>T. VCF-style: chr20-58444207-G-T. GRCh37 (hg19) VCF-style: chr20-57019263-G-T.
Other names: c.*42G>T (NM_001195677.2); short protein forms G235V.
Identifiers: ClinVar variation 2945280 (VCV002945280.3), dbSNP rs2516071262, ClinGen allele CA409440366.